The following is an entry in ClinVar:

ClinVar aggregate classification (germline): Likely benign (0 of 4 stars; one submission).

Conditions:
MKRN3-related disorder. Also called: MKRN3-related condition.

gnomAD v4.1: 4 of 1,613,866 alleles (0.00025%); highest among the groups gnomAD compares: Middle Eastern, 0.017%; no homozygotes.

Submission:

PreventionGenetics, part of Exact Sciences
Classification: Likely benign for MKRN3-related condition. Last evaluated: 2019-07-12. Review status: no assertion criteria provided. Collection method: clinical testing. Allele origin: germline.
Comment: This variant is classified as likely benign based on ACMG/AMP sequence variant interpretation guidelines (Richards et al. 2015 PMID: 25741868, with internal and published modifications).

NM_005664.4(MKRN3):c.114C>G (p.Ser38=)

Gene: MKRN3 (makorin ring finger protein 3; plus strand). Cytogenetic location: 15q11.2.
Variant type: single nucleotide variant.
Coding change: c.114C>G on transcript NM_005664.4 (MANE Select); coding-DNA position 114, C replaced by G.
Protein change: p.Ser38=; no amino-acid change (serine 38 retained).
Molecular consequence: synonymous variant.
Genome position (GRCh38, 1-based): chr15:23,565,896, C>G. VCF-style: chr15-23565896-C-G. GRCh37 (hg19) VCF-style: chr15-23811043-C-G.
Identifiers: ClinVar variation 3050866 (VCV003050866.2), dbSNP rs143204731, ClinGen allele CA489238242.
Genomic context (GRCh38, chr15:23,565,896, plus strand): 5'-AGGTGCTGAGGCAGCAAGGGAGGGTGTGTCTGGGCCGGACCTTCCCGTCTGTGAGCCCTC[C>G]GGGGAATCTGCTGCTCCAGATTCAGCCCTGCCACATGCGGCAAGGGGCTGGGCCCCCTTC-3'
Protein context (NP_005655.1, residues 28-48): SGPDLPVCEP[Ser38=]GESAAPDSAL